The following is an entry in ClinVar:

ClinVar aggregate classification (germline): Uncertain significance (1 of 4 stars; one submission).

Submission:

Women's Health and Genetics/Laboratory Corporation of America, LabCorp
Classification: Uncertain significance. Last evaluated: 2026-01-06. Review status: criteria provided, single submitter. Criteria: LabCorp Variant Classification Summary - May 2015. Collection method: clinical testing. Allele origin: germline.
Comment: Variant summary: GCDH c.371G>T (p.Gly124Val) results in a non-conservative amino acid change in the encoded protein sequence. Algorithms developed to predict the effect of missense changes on protein structure and function all suggest that this variant is likely to be disruptive. The variant was absent in 251436 control chromosomes. The available data on variant occurrences in the general population are insufficient to allow any conclusion about variant significance. To our knowledge, no occurrence of c.371G>T in individuals affected with GCDH-related conditions and no experimental evidence demonstrating its impact on protein function have been reported. No submitters have cited clinical-significance assessments for this variant to ClinVar. Based on the evidence outlined above, the variant was classified as uncertain significance.

NM_000159.4(GCDH):c.371G>T (p.Gly124Val)

Gene: GCDH (glutaryl-CoA dehydrogenase; plus strand). Cytogenetic location: 19p13.13.
Variant type: single nucleotide variant.
Coding change: c.371G>T on transcript NM_000159.4 (MANE Select); coding-DNA position 371, G replaced by T.
Protein change: p.Gly124Val; replaces glycine 124 with valine.
Molecular consequence: missense variant. On other transcripts: non-coding transcript variant (2).
Genome position (GRCh38, 1-based): chr19:12,893,519, G>T. VCF-style: chr19-12893519-G-T. GRCh37 (hg19) VCF-style: chr19-13004333-G-T.
Other names: c.371G>T, p.Gly124Val (NM_013976.5); short protein forms G124V.
Identifiers: ClinVar variation 4689599 (VCV004689599.1).
Genomic context (GRCh38, chr19:12,893,519, plus strand): 5'-GCTTTCCCCTCCTACTACCACCAGGATATGGCTGTGCTGGGGTTTCGTCTGTGGCCTATG[G>T]GCTCCTGGCCCGAGAGCTGGAGCGGGTGGACAGTGGCTACAGGTCGGCGATGAGTGTCCA-3'
Protein context (NP_000150.1, residues 114-134): GCAGVSSVAY[Gly124Val]LLARELERVD